The following is an entry in ClinVar:

ClinVar aggregate classification (germline): Uncertain significance. Review status: criteria provided, multiple submitters, no conflicts (2 of 4 stars). 2 submissions from 2 submitters: Uncertain significance (2). Last evaluated 2023-11-03.

Conditions:
Inborn genetic diseases. Identifiers: MedGen C0950123, MeSH D030342.

Allele frequency attached by ClinVar (database versions not stated): gnomAD 0.00001; gnomAD exomes 0.00002; TOPMed 0.00002; ESP Exome Variant Server 0.00008.
gnomAD v4.1: 35 of 1,614,028 alleles (0.0022%); highest among the groups gnomAD compares: Non-Finnish European, 0.003%; no homozygotes.

Submissions (2):

Ambry Genetics
Classification: Uncertain significance for Inborn genetic diseases. Last evaluated: 2023-11-03. Review status: criteria provided, single submitter. Criteria: Ambry Variant Classification Scheme 2023. Collection method: clinical testing. Allele origin: germline.

Labcorp Genetics (formerly Invitae), Labcorp
Classification: Uncertain significance. Last evaluated: 2021-12-13. Review status: criteria provided, single submitter. Criteria: Invitae Variant Classification Sherloc (09022015). Collection method: clinical testing. Allele origin: germline.
Comment: This sequence change replaces methionine, which is neutral and non-polar, with leucine, which is neutral and non-polar, at codon 67 of the PDSS2 protein (p.Met67Leu). This variant is present in population databases (rs140933061, gnomAD 0.0009%). This variant has not been reported in the literature in individuals affected with PDSS2-related conditions. Algorithms developed to predict the effect of missense changes on protein structure and function (SIFT, PolyPhen-2, Align-GVGD) all suggest that this variant is likely to be tolerated. In summary, the available evidence is currently insufficient to determine the role of this variant in disease. Therefore, it has been classified as a Variant of Uncertain Significance.

NM_020381.4(PDSS2):c.199A>C (p.Met67Leu)

Gene: PDSS2 (decaprenyl diphosphate synthase subunit 2; minus strand). Cytogenetic location: 6q21.
Variant type: single nucleotide variant.
Coding change: c.199A>C on transcript NM_020381.4 (MANE Select); coding-DNA position 199, A replaced by C.
Protein change: p.Met67Leu; replaces methionine 67 with leucine.
Molecular consequence: missense variant.
Genome position (GRCh38, 1-based): chr6:107,459,087, T>G on the plus strand (A>C on the coding strand, the complement: PDSS2 is on the minus strand). VCF-style: chr6-107459087-T-G. GRCh37 (hg19) VCF-style: chr6-107780291-T-G.
Other names: c.199A>C (NM_020381.3); short protein forms M67L.
Identifiers: ClinVar variation 2419022 (VCV002419022.4), dbSNP rs140933061, ClinGen allele CA145623461.
Genomic context (GRCh38, chr6:107,459,087, plus strand): 5'-GCTTCCGCACCTGCATAGCGATGTTGCTGAGCTCGTCGCTCAGCAGGCAGCGAAGGCTCA[T>G]GAAGGACGTGGGGTACCCCACGATCTTCTCCGCCTCTGACACTACCTGATTCCAGTGGGC-3'
Protein context (NP_065114.3, residues 57-77): EKIVGYPTSF[Met67Leu]SLRCLLSDEL